The following is an entry in ClinVar:

NM_032119.4(ADGRV1):c.4856G>A (p.Gly1619Asp)

Gene: ADGRV1 (adhesion G protein-coupled receptor V1; plus strand). Cytogenetic location: 5q14.3.
Variant type: single nucleotide variant.
Coding change: c.4856G>A on transcript NM_032119.4 (MANE Select); coding-DNA position 4856, G replaced by A.
Protein change: p.Gly1619Asp; replaces glycine 1619 with aspartic acid.
Molecular consequence: missense variant. On other transcripts: non-coding transcript variant (1).
Genome position (GRCh38, 1-based): chr5:90,672,649, G>A. VCF-style: chr5-90672649-G-A. GRCh37 (hg19) VCF-style: chr5-89968466-G-A.
Other names: short protein forms G1619D.
Identifiers: ClinVar variation 1400200 (VCV001400200.8), dbSNP rs762316414, ClinGen allele CA3339422.

ClinVar aggregate classification (germline): Conflicting classifications of pathogenicity. Review status: criteria provided, conflicting classifications (1 of 4 stars). 3 submissions from 3 submitters: Uncertain significance (2); Likely benign (1). Last evaluated 2025-10-28.

Allele frequency attached by ClinVar (database versions not stated): gnomAD exomes below 0.00001 and 0.00002; gnomAD 0.00001; TOPMed 0.00001; ExAC 0.00002.
gnomAD v4.1: 8 of 1,613,484 alleles (0.0005%); highest among the groups gnomAD compares: South Asian, 0.0022%; no homozygotes.

Submissions (3):

Labcorp Genetics (formerly Invitae), Labcorp
Classification: Likely benign. Last evaluated: 2025-10-28. Review status: criteria provided, single submitter. Criteria: Invitae Variant Classification Sherloc (09022015). Collection method: clinical testing. Allele origin: germline.

Women's Health and Genetics/Laboratory Corporation of America, LabCorp
Classification: Uncertain significance. Last evaluated: 2024-04-11. Review status: criteria provided, single submitter. Criteria: LabCorp Variant Classification Summary - May 2015. Collection method: clinical testing. Allele origin: germline.
Comment: Variant summary: ADGRV1 c.4856G>A (p.Gly1619Asp) results in a non-conservative amino acid change located in the Na-Ca exchanger/integrin-beta4 domain (IPR003644) of the encoded protein sequence. Three of five in-silico tools predict a damaging effect of the variant on protein function. The variant allele was found at a frequency of 2.4e-05 in 249040 control chromosomes (gnomAD). The available data on variant occurrences in the general population are insufficient to allow any conclusion about variant significance. c.4856G>A has been reported in the literature in an individual affected with cone-rod dystrophy (Ganapathi_2022). This report does not provide unequivocal conclusions about association of the variant with ADGRV1-Related Disorders. To our knowledge, no experimental evidence demonstrating an impact on protein function has been reported. The following publication has been ascertained in the context of this evaluation (PMID: 35672425). ClinVar contains an entry for this variant (Variation ID: 1400200). Based on the evidence outlined above, the variant was classified as uncertain significance.

Blueprint Genetics
Classification: Uncertain significance. Last evaluated: 2024-02-09. Review status: criteria provided, single submitter. Criteria: ACMG Guidelines, 2015. Collection method: clinical testing. Allele origin: germline.

Literature cited by the submitters: PubMed 35672425 (cited by Women's Health and Genetics/Laboratory Corporation of America, LabCorp).